The following is an entry in ClinVar:

ClinVar aggregate classification (germline): Uncertain significance (1 of 4 stars; one submission).

Conditions:
Primary ciliary dyskinesia. Also called: Ciliary dyskinesia. Identifiers: Orphanet 244, MedGen C0008780, MONDO:0016575, HP:0012265.

Allele frequency attached by ClinVar (database versions not stated): gnomAD exomes below 0.00001; gnomAD 0.00003.
gnomAD v4.1: 6 of 1,467,220 alleles (0.00041%); highest among the groups gnomAD compares: African/African-American, 0.0087%; no homozygotes.

Submission:

Labcorp Genetics (formerly Invitae), Labcorp
Classification: Uncertain significance for Primary ciliary dyskinesia. Last evaluated: 2024-01-19. Review status: criteria provided, single submitter. Criteria: Invitae Variant Classification Sherloc (09022015). Collection method: clinical testing. Allele origin: germline.
Comment: This sequence change replaces aspartic acid, which is acidic and polar, with asparagine, which is neutral and polar, at codon 860 of the DNAH5 protein (p.Asp860Asn). This variant is present in population databases (no rsID available, gnomAD 0.01%). This variant has not been reported in the literature in individuals affected with DNAH5-related conditions. ClinVar contains an entry for this variant (Variation ID: 2147236). An algorithm developed to predict the effect of missense changes on protein structure and function (PolyPhen-2) suggests that this variant is likely to be tolerated. Algorithms developed to predict the effect of sequence changes on RNA splicing suggest that this variant may disrupt the consensus splice site. In summary, the available evidence is currently insufficient to determine the role of this variant in disease. Therefore, it has been classified as a Variant of Uncertain Significance.

NM_001369.3(DNAH5):c.2578G>A (p.Asp860Asn)

Genes: DNAH5 (dynein axonemal heavy chain 5; minus strand), DNAH5-AS1 (DNAH5 antisense RNA 1; plus strand). Cytogenetic location: 5p15.2.
Variant type: single nucleotide variant.
Coding change: c.2578G>A on transcript NM_001369.3 (MANE Select); coding-DNA position 2578, G replaced by A.
Protein change: p.Asp860Asn; replaces aspartic acid 860 with asparagine.
Molecular consequence: missense variant.
Genome position (GRCh38, 1-based): chr5:13,886,129, C>T on the plus strand (G>A on the coding strand, the complement: DNAH5 is on the minus strand). VCF-style: chr5-13886129-C-T. GRCh37 (hg19) VCF-style: chr5-13886238-C-T.
Other names: short protein forms D860N.
Identifiers: ClinVar variation 2147236 (VCV002147236.4), dbSNP rs1180383607, ClinGen allele CA359196955.
Genomic context (GRCh38, chr5:13,886,129, plus strand): 5'-CTGCCTCCTCCACTAATGAGCTTTTAAAATGTAGTATTTGTGCACCATTTACACAAAGAT[C>T]CTAACCAAAAAAAAAAAAAAAAAAAGATAGCACAGTGGTATATGGTTTATCTAGCTTTTG-3'
Protein context (NP_001360.1, residues 850-870): TCEEFLQMTK[Asp860Asn]LCVNGAQILH